The following is an entry in ClinVar:

NC_000009.12:g.35657946_35657947insA

Gene: RMRP (RNA component of mitochondrial RNA processing endoribonuclease; minus strand). Cytogenetic location: 9p13.3.
Variant type: Insertion.
Genome position: GRCh38 VCF-style: chr9-35657946-T-TA. GRCh37 (hg19) VCF-style: chr9-35657943-T-TA.
Identifiers: ClinVar variation 2126236 (VCV002126236.4), dbSNP rs1315683844, ClinGen allele CA587570263.

ClinVar aggregate classification (germline): Uncertain significance (1 of 4 stars; one submission).

Conditions:
Anauxetic dysplasia. Identifiers: Orphanet 93347, MedGen C1846796, MONDO:0011773.

Allele frequency attached by ClinVar (database versions not stated): gnomAD 0.00001; gnomAD exomes 0.00001.

Submission:

Labcorp Genetics (formerly Invitae), Labcorp
Classification: Uncertain significance for Anauxetic dysplasia. Last evaluated: 2024-08-14. Review status: criteria provided, single submitter. Criteria: Invitae Variant Classification Sherloc (09022015). Collection method: clinical testing. Allele origin: germline.
Comment: This variant occurs in the RMRP gene, which encodes an RNA molecule that does not result in a protein product. This variant is present in population databases (no rsID available, gnomAD 0.004%). This variant has not been reported in the literature in individuals affected with RMRP-related conditions. ClinVar contains an entry for this variant (Variation ID: 2126236). Experimental studies and prediction algorithms are not available or were not evaluated, and the functional significance of this variant is currently unknown. In summary, the available evidence is currently insufficient to determine the role of this variant in disease. Therefore, it has been classified as a Variant of Uncertain Significance.